The following is an entry in ClinVar:

ClinVar aggregate classification (germline): Benign (0 of 4 stars; one submission).

Conditions:
ITGA6-related disorder. Also called: ITGA6-related condition.

Allele frequency attached by ClinVar (database versions not stated): TOPMed 0.00508; 1000 Genomes Project 0.01378; ESP Exome Variant Server 0.00244; gnomAD exomes 0.00442; gnomAD 0.00525; ExAC 0.01054; 1000 Genomes Project 30x 0.01374.

Submission:

PreventionGenetics, part of Exact Sciences
Classification: Benign for ITGA6-related condition. Last evaluated: 2019-02-19. Review status: no assertion criteria provided. Collection method: clinical testing. Allele origin: germline.
Comment: This variant is classified as benign based on ACMG/AMP sequence variant interpretation guidelines (Richards et al. 2015 PMID: 25741868, with internal and published modifications).

NM_001394928.1(ITGA6):c.892G>A (p.Gly298Ser)

Genes: ITGA6 (integrin subunit alpha 6; plus strand), PDK1-AS1 (PDK1 and ITGA6 antisense RNA 1; minus strand). Cytogenetic location: 2q31.1.
Variant type: single nucleotide variant.
Coding change: c.892G>A on transcript NM_001394928.1 (MANE Plus Clinical); coding-DNA position 892, G replaced by A.
Protein change: p.Gly298Ser; replaces glycine 298 with serine.
Molecular consequence: missense variant. On other transcripts: intron variant (4).
Genome position (GRCh38, 1-based): chr2:172,472,890, G>A. VCF-style: chr2-172472890-G-A. GRCh37 (hg19) VCF-style: chr2-173337618-G-A.
Other names: c.418G>A, p.Gly140Ser (NM_001316306.2); c.776-1165G>A (NM_000210.4, NM_001079818.3, NM_001365530.2 and 1 more transcripts); short protein forms G140S, G298S.
Identifiers: ClinVar variation 3059881 (VCV003059881.2), dbSNP rs74728869, ClinGen allele CA1967956.
Genomic context (GRCh38, chr2:172,472,890, plus strand): 5'-ACACGGCCTCCCCGGGAGCAGCCTGACACATTCCCTGATGTGATGATGAATAGCTACCTA[G>A]GTTTGTGACCTCTGCGACGACAAATAAATTGTCTTGGTTGTGGTCATTAAATTTTTTTTT-3'
Protein context (NP_001381857.1, residues 288-308): FPDVMMNSYL[Gly298Ser]FSLDSGKGIV